The following is an entry in ClinVar:

NM_001100913.3(PACS2):c.2386C>A (p.Arg796=)

Gene: PACS2 (phosphofurin acidic cluster sorting protein 2; plus strand). Cytogenetic location: 14q32.33.
Variant type: single nucleotide variant.
Coding change: c.2386C>A on transcript NM_001100913.3 (MANE Select); coding-DNA position 2386, C replaced by A.
Protein change: p.Arg796=; no amino-acid change (arginine 796 retained).
Molecular consequence: synonymous variant.
Genome position (GRCh38, 1-based): chr14:105,392,749, C>A. VCF-style: chr14-105392749-C-A. GRCh37 (hg19) VCF-style: chr14-105859086-C-A.
Other names: c.2116C>A, p.Arg706= (NM_001243127.3); c.2341C>A, p.Arg781= (NM_015197.4).
Identifiers: ClinVar variation 1684981 (VCV001684981.6), dbSNP rs1595193008, ClinGen allele CA488206109.

ClinVar aggregate classification (germline): Uncertain significance. Review status: criteria provided, multiple submitters, no conflicts (2 of 4 stars). 3 submissions from 3 submitters: Uncertain significance (3). Last evaluated 2025-09-26.

Submissions (3):

Dasa
Classification: Uncertain significance. Last evaluated: 2025-09-26. Review status: criteria provided, single submitter. Criteria: DASA Assertion Criteria. Collection method: clinical testing. Allele origin: germline.
Comment: NM_001100913.3(PACS2):c.2386C>A (p.Arg796=) is a synonymous variant predicted not to alter the encoded amino acid sequence. This variant is absent from population databases. The currently available literature and clinical evidence are not sufficient to establish a definitive association between this variant and the reported condition. Therefore, this variant is classified as a variant of uncertain significance.

Labcorp Genetics (formerly Invitae), Labcorp
Classification: Uncertain significance. Last evaluated: 2023-09-03. Review status: criteria provided, single submitter. Criteria: Invitae Variant Classification Sherloc (09022015). Collection method: clinical testing. Allele origin: germline.
Comment: In summary, the available evidence is currently insufficient to determine the role of this variant in disease. Therefore, it has been classified as a Variant of Uncertain Significance. This sequence change affects codon 796 of the PACS2 mRNA. It is a 'silent' change, meaning that it does not change the encoded amino acid sequence of the PACS2 protein. This variant is not present in population databases (gnomAD no frequency). This variant has not been reported in the literature in individuals affected with PACS2-related conditions. ClinVar contains an entry for this variant (Variation ID: 1684981). Algorithms developed to predict the effect of sequence changes on RNA splicing suggest that this variant may disrupt the consensus splice site.

Mendelics
Classification: Uncertain significance. Last evaluated: 2022-05-04. Review status: criteria provided, single submitter. Criteria: Mendelics Assertion Criteria 2019. Collection method: clinical testing. Allele origin: germline.